The following is an entry in ClinVar:

ClinVar aggregate classification (germline): Benign. Review status: reviewed by expert panel (3 of 4 stars). 10 submissions from 10 submitters: Benign (1). 9 of the submissions do not count toward it. Last evaluated 2024-01-23.

Conditions:
T-B+ severe combined immunodeficiency due to JAK3 deficiency. Also called: SCID, autosomal recessive, T-negative/B-positive type; SCID, T CELL-NEGATIVE, B CELL-POSITIVE, NK CELL-NEGATIVE. Identifiers: Orphanet 35078, MedGen C1833275, MONDO:0010938, OMIM 600802.

Allele frequency attached by ClinVar (database versions not stated): ESP Exome Variant Server 0.00524; gnomAD 0.00647 and 0.00640; 1000 Genomes Project 30x 0.00203; ExAC 0.00649; TOPMed 0.00552; gnomAD exomes 0.00592; 1000 Genomes Project 0.00180.
gnomAD v4.1: 12,489 of 1,608,004 alleles (0.78%); highest among the groups gnomAD compares: Middle Eastern, 1.5%; 59 homozygotes.

Submissions (10):

ClinGen Severe Combined Immunodeficiency Variant Curation Expert Panel, ClinGen
Classification: Benign for T-B+ severe combined immunodeficiency due to JAK3 deficiency. Last evaluated: 2024-01-23. Review status: reviewed by expert panel. Criteria: ClinGen SCID ACMG Specifications JAK3 V1.0.0. Collection method: curation. Allele origin: germline. Inheritance: Autosomal recessive inheritance.
Comment: The NM_000215.4(JAK3):c.452C>G (p.Pro151Arg) variant in JAK3 is a missense variant predicted to cause the substitution of Proline by Arginine at amino acid 151 (p.Pro151Arg). The Popmax Filtering allele frequency (95% CI) of the variant is 0.008679 in gnomAD v.4 for European (non-Finnish) population 10486/1179548 alleles, which is higher than the ClinGen SCID VCEP threshold (>0.00447) for BA1, therefore, meets this criterion (BA1). Also, 59 homozygous adults are reported on GnomAD v2.1.1 (BS2_Supporting). In summary, this variant meets the criteria to be classified as Benign for autosomal recessive T-B+ severe combined immunodeficiency due to JAK3 deficiency based on the ACMG/AMP criteria applied, as specified by the ClinGen SCID VCEP. Criteria applied: BA1 and BS2_Supporting (VCEP specifications version 1.0).

CeGaT Center for Human Genetics Tuebingen
Classification: Likely benign. Last evaluated: 2026-08-01. Review status: criteria provided, single submitter. Criteria: CeGaT Center For Human Genetics Tuebingen Variant Classification Criteria Version 2. Collection method: clinical testing. Allele origin: germline. Affected: yes. Observed: 12 variant alleles. Not counted in ClinVar's aggregate classification.
Comment: JAK3: BP4, BS2

Labcorp Genetics (formerly Invitae), Labcorp
Classification: Benign for T-B+ severe combined immunodeficiency due to JAK3 deficiency. Last evaluated: 2026-02-04. Review status: criteria provided, single submitter. Criteria: Invitae Variant Classification Sherloc (09022015). Collection method: clinical testing. Allele origin: germline. Not counted in ClinVar's aggregate classification.

Blueprint Genetics
Classification: Likely benign. Last evaluated: 2024-11-28. Review status: criteria provided, single submitter. Criteria: ACMG Guidelines, 2015. Collection method: clinical testing. Allele origin: germline. Not counted in ClinVar's aggregate classification.

Women's Health and Genetics/Laboratory Corporation of America, LabCorp
Classification: Benign. Last evaluated: 2022-03-22. Review status: criteria provided, single submitter. Criteria: LabCorp Variant Classification Summary - May 2015. Collection method: clinical testing. Allele origin: germline. Not counted in ClinVar's aggregate classification.
Comment: Variant summary: JAK3 c.452C>G (p.Pro151Arg) results in a non-conservative amino acid change in the encoded protein sequence. Four of five in-silico tools predict a benign effect of the variant on protein function. The variant allele was found at a frequency of 0.0061 in 269660 control chromosomes, predominantly at a frequency of 0.011 within the Non-Finnish European subpopulation in the gnomAD database, including five homozygotes. The observed variant frequency within Non-Finnish European control individuals in the gnomAD database is approximately 12 fold of the estimated maximal expected allele frequency for a pathogenic variant in JAK3 causing Severe Combined Immunodeficiency phenotype (0.00094), strongly suggesting that the variant is a benign polymorphism found primarily in populations of Non-Finnish European origin. c.452C>G has been reported in the literature in at least one individual affected with Severe Combined Immunodeficiency (Schumacher_2000). The report does not provide unequivocal conclusions about association of the variant with Severe Combined Immunodeficiency. Five ClinVar submitters (evaluation after 2014) cite the variant as benign (n=4) and uncertain significance (n=1). Based on the evidence outlined above, the variant was classified as benign.

GeneDx
Classification: Benign. Last evaluated: 2018-08-16. Review status: criteria provided, single submitter. Criteria: GeneDx Variant Classification Process June 2021. Collection method: clinical testing. Allele origin: germline. Affected: yes. Not counted in ClinVar's aggregate classification.
Comment: This variant is associated with the following publications: (PMID: 25333069, 21228398, 26248889, 27484032, 11668610, 24728327, 10982185, 27577878, 27151993, 27884173)

Illumina Laboratory Services, Illumina
Classification: Uncertain significance for T-B+ severe combined immunodeficiency due to JAK3 deficiency. Last evaluated: 2017-04-27. Review status: criteria provided, single submitter. Criteria: ICSL Variant Classification Criteria 13 December 2019. Collection method: clinical testing. Allele origin: germline. Not counted in ClinVar's aggregate classification.

Laboratory for Molecular Medicine, Mass General Brigham Personalized Medicine
Classification: Benign. Last evaluated: 2016-03-28. Review status: criteria provided, single submitter. Criteria: LMM Criteria. Collection method: clinical testing. Allele origin: germline. Not counted in ClinVar's aggregate classification.
Comment: Variant identified in a genome or exome case(s) and assessed due to predicted null impact of the variant or pathogenic assertions in the literature or databases. Disclaimer: This variant has not undergone full assessment. The following are preliminary notes: Reported in 1 heterozygote individual with SCID (Schumacher 2000). 1.3% frequency.

Center for Pediatric Genomic Medicine, Children's Mercy Hospital and Clinics
Classification: Benign. Last evaluated: 2015-05-06. Review status: criteria provided, single submitter. Criteria: ACMG Guidelines, 2015. Collection method: clinical testing. Allele origin: germline. Not counted in ClinVar's aggregate classification.

ITMI
No classification provided. Condition: AllHighlyPenetrant. Last evaluated: 2013-09-19. Review status: no classification provided. Collection method: reference population. Allele origin: germline. Not counted in ClinVar's aggregate classification.
Comment: Please see associated publication for description of ethnicities

Literature cited by the submitters: PubMed 11668610 (cited by Women's Health and Genetics/Laboratory Corporation of America, LabCorp); PubMed 10982185 (cited by Women's Health and Genetics/Laboratory Corporation of America, LabCorp); PubMed 10900158 (cited by Women's Health and Genetics/Laboratory Corporation of America, LabCorp); PubMed 16843266 (cited by Women's Health and Genetics/Laboratory Corporation of America, LabCorp); PubMed 17252020 (cited by Women's Health and Genetics/Laboratory Corporation of America, LabCorp); PubMed 17456055 (cited by Women's Health and Genetics/Laboratory Corporation of America, LabCorp); PubMed 17433830 (cited by Women's Health and Genetics/Laboratory Corporation of America, LabCorp); PubMed 20132407 (cited by Women's Health and Genetics/Laboratory Corporation of America, LabCorp); PubMed 21228398 (cited by Women's Health and Genetics/Laboratory Corporation of America, LabCorp); PubMed 23832011 (cited by Women's Health and Genetics/Laboratory Corporation of America, LabCorp); PubMed 24728327 (cited by Women's Health and Genetics/Laboratory Corporation of America, LabCorp and ITMI); PubMed 25333069 (cited by Women's Health and Genetics/Laboratory Corporation of America, LabCorp); PubMed 22425895 (cited by Women's Health and Genetics/Laboratory Corporation of America, LabCorp); PubMed 25595890 (cited by Women's Health and Genetics/Laboratory Corporation of America, LabCorp); PubMed 22237106 (cited by Women's Health and Genetics/Laboratory Corporation of America, LabCorp); PubMed 24446122 (cited by Women's Health and Genetics/Laboratory Corporation of America, LabCorp).

NM_000215.4(JAK3):c.452C>G (p.Pro151Arg)

Gene: JAK3 (Janus kinase 3; minus strand). Cytogenetic location: 19p13.11.
Variant type: single nucleotide variant.
Coding change: c.452C>G on transcript NM_000215.4 (MANE Select); coding-DNA position 452, C replaced by G.
Protein change: p.Pro151Arg; replaces proline 151 with arginine.
Molecular consequence: missense variant.
Genome position (GRCh38, 1-based): chr19:17,843,141, G>C on the plus strand (C>G on the coding strand, the complement: JAK3 is on the minus strand). VCF-style: chr19-17843141-G-C. GRCh37 (hg19) VCF-style: chr19-17953950-G-C.
Other names: NM_000215.4(JAK3):c.452C>G; short protein forms P151R.
Identifiers: ClinVar variation 36422 (VCV000036422.46), dbSNP rs55778349, ClinGen allele CA160252.